The following is an entry in ClinVar:

ClinVar aggregate classification (germline): Conflicting classifications of pathogenicity. Review status: criteria provided, conflicting classifications (1 of 4 stars). 5 submissions from 5 submitters: Pathogenic (1); Likely pathogenic (1); Uncertain significance (3). Last evaluated 2025-12-22.

Conditions:
POLG-related disorder. Also called: POLG-Related Spectrum Disorders; POLG-related condition; POLG-Related Disorders. Identifiers: MedGen C4763519.
Progressive sclerosing poliodystrophy (MTDPS4A). Also called: Mitochondrial DNA Depletion Syndrome 4A; Mitochondrial DNA depletion syndrome 4A (Alpers type); NEURONAL DEGENERATION OF CHILDHOOD WITH LIVER DISEASE, PROGRESSIVE; Alpers-Huttenlocher Syndrome (AHS); ALPERS PROGRESSIVE INFANTILE POLIODYSTROPHY; Alpers Syndrome. Identifiers: Orphanet 726, MedGen C0205710, MONDO:0008758, OMIM 203700.

Allele frequency attached by ClinVar (database versions not stated): gnomAD exomes below 0.00001; ExAC 0.00001; gnomAD 0.00001; TOPMed 0.00002.
gnomAD v4.1: 2 of 1,613,990 alleles (0.00012%); highest among the groups gnomAD compares: African/African-American, 0.0027%; no homozygotes.

Submissions (5):

Labcorp Genetics (formerly Invitae), Labcorp
Classification: Uncertain significance for Progressive sclerosing poliodystrophy. Last evaluated: 2025-12-22. Review status: criteria provided, single submitter. Criteria: Invitae Variant Classification Sherloc (09022015). Collection method: clinical testing. Allele origin: germline.
Comment: This sequence change replaces valine, which is neutral and non-polar, with leucine, which is neutral and non-polar, at codon 855 of the POLG protein (p.Val855Leu). This variant is present in population databases (rs771254207, gnomAD 0.01%). This missense change has been observed in individual(s) with autosomal recessive POLG-related conditions (PMID: 21880868). ClinVar contains an entry for this variant (Variation ID: 619419). Invitae Evidence Modeling of protein sequence and biophysical properties (such as structural, functional, and spatial information, amino acid conservation, physicochemical variation, residue mobility, and thermodynamic stability) indicates that this missense variant is expected to disrupt POLG protein function with a positive predictive value of 95%. This variant disrupts the p.Val855 amino acid residue in POLG. Other variant(s) that disrupt this residue have been observed in individuals with POLG-related conditions (PMID: 23830586), which suggests that this may be a clinically significant amino acid residue. In summary, the available evidence is currently insufficient to determine the role of this variant in disease. Therefore, it has been classified as a Variant of Uncertain Significance.

Myriad Genetics, Inc.
Classification: Uncertain significance for POLG-related disorder. Last evaluated: 2025-09-25. Review status: criteria provided, single submitter. Criteria: Myriad Autosomal Dominant, Autosomal Recessive and X-Linked Classification Criteria (2023). Collection method: clinical testing. Allele origin: unknown.
Comment: NM_002693.2(POLG):c.2563G>T(V855L) is a missense variant classified as a variant of uncertain significance in the context of POLG-related disorders. V855L has been observed in cases with relevant disease (PMID: 21880868, 28902413). Relevant functional assessments of this variant are not available in the literature. V855L has been observed in referenced population frequency databases. In summary, there is insufficient evidence to classify NM_002693.2(POLG):c.2563G>T(V855L) as pathogenic or benign. Please note: this variant was assessed in the context of healthy population screening.

Women's Health and Genetics/Laboratory Corporation of America, LabCorp
Classification: Uncertain significance. Last evaluated: 2025-02-21. Review status: criteria provided, single submitter. Criteria: LabCorp Variant Classification Summary - May 2015. Collection method: clinical testing. Allele origin: germline.
Comment: Variant summary: POLG c.2563G>T (p.Val855Leu) results in a conservative amino acid change in the encoded protein sequence. Four of five in-silico tools predict a damaging effect of the variant on protein function. The variant allele was found at a frequency of 4e-06 in 251388 control chromosomes. The available data on variant occurrences in the general population are insufficient to allow any conclusion about variant significance. c.2563G>T has been reported in the literature along with a second pathogenic change in one individual affected with POLG deficiency phenotypes (Tang_2011). These data do not allow any conclusion about variant significance. To our knowledge, no experimental evidence demonstrating an impact on protein function has been reported. The following publication has been ascertained in the context of this evaluation (PMID: 21880868). ClinVar contains an entry for this variant (Variation ID: 619419). Based on the evidence outlined above, the variant was classified as uncertain significance.

Wong Mito Lab, Molecular and Human Genetics, Baylor College of Medicine
Classification: Pathogenic for Progressive sclerosing poliodystrophy. Last evaluated: 2018-10-01. Review status: criteria provided, single submitter. Criteria: ACMG Guidelines, 2015. Collection method: clinical testing. Allele origin: germline.
Comment: The NM_002693.2:c.2563G>T (NP_002684.1:p.Val855Leu) [GRCH38: NC_000015.10:g.89321771C>A] variant in POLG gene is interpretated to be a Pathogenic based on ACMG guidelines (PMID: 25741868). This variant meets the following evidence codes reported in the ACMG-guideline. PS1:This variation causes same amino-acid change as an established pathogenic variant. PM1:This variant is in mutational hot spot or a well-studied functional domain without benign variation. PM2:This variant is absent in key population databases. PM3:Detected in trans with a pathogenic variant for Mitochondrial DNA depletion syndrome 4A (Alpers type) which is a recessive disorder. PP1:This variant is co-segregated with Mitochondrial DNA depletion syndrome 4A (Alpers type) in multiple affected family members. PP2:This is a missense variant in POLG with a low rate of benign and high rate of pathogenic missense variations. PP3:Computational evidence/predictors indicate the variant has deleterious effect on POLG structure, function, or protein-protein interaction. PP4:Patient's phenotype or family history is highly specific for POLG. Based on the evidence criteria codes applied, the variant is suggested to be Pathogenic.

CeGaT Center for Human Genetics Tuebingen
Classification: Likely pathogenic. Last evaluated: 2016-06-01. Review status: criteria provided, single submitter. Criteria: CeGaT Center For Human Genetics Tuebingen Variant Classification Criteria Version 2. Collection method: clinical testing. Allele origin: germline. Affected: yes. Observed: 1 variant allele.

Literature cited by the submitters: PubMed 21880868 (cited by 3 submitters); PubMed 23830586 (cited by Labcorp Genetics (formerly Invitae), Labcorp); PubMed 28902413 (cited by Myriad Genetics, Inc.).

NM_002693.3(POLG):c.2563G>T (p.Val855Leu)

Gene: POLG (DNA polymerase gamma, catalytic subunit; minus strand). Cytogenetic location: 15q26.1.
Variant type: single nucleotide variant.
Coding change: c.2563G>T on transcript NM_002693.3 (MANE Select); coding-DNA position 2563, G replaced by T.
Protein change: p.Val855Leu; replaces valine 855 with leucine.
Molecular consequence: missense variant.
Genome position (GRCh38, 1-based): chr15:89,321,771, C>A on the plus strand (G>T on the coding strand, the complement: POLG is on the minus strand). VCF-style: chr15-89321771-C-A. GRCh37 (hg19) VCF-style: chr15-89865002-C-A.
Other names: c.2563G>T, p.Val855Leu (NM_001126131.2); short protein forms V855L.
Identifiers: ClinVar variation 619419 (VCV000619419.48), dbSNP rs771254207, ClinGen allele CA7724425.